The following is an entry in ClinVar:

ClinVar aggregate classification (germline): Uncertain significance (1 of 4 stars; one submission).

Submission:

Ambry Genetics
Classification: Uncertain significance. Last evaluated: 2025-05-18. Review status: criteria provided, single submitter. Criteria: Ambry Variant Classification Scheme 2023. Collection method: clinical testing. Allele origin: germline.
Comment: The p.K228Q variant (also known as c.682A>C), located in coding exon 1 of the TET2 gene, results from an A to C substitution at nucleotide position 682. The lysine at codon 228 is replaced by glutamine, an amino acid with similar properties. This amino acid position is conserved. In addition, this alteration is predicted to be tolerated by in silico analysis. Based on the available evidence, the clinical significance of this variant remains unclear.

NM_001127208.3(TET2):c.682A>C (p.Lys228Gln)

Genes: TET2 (tet methylcytosine dioxygenase 2; plus strand), TET2-AS1 (TET2 antisense RNA 1; minus strand). Cytogenetic location: 4q24.
Variant type: single nucleotide variant.
Coding change: c.682A>C on transcript NM_001127208.3 (MANE Select); coding-DNA position 682, A replaced by C.
Protein change: p.Lys228Gln; replaces lysine 228 with glutamine.
Molecular consequence: missense variant.
Genome position (GRCh38, 1-based): chr4:105,234,624, A>C. VCF-style: chr4-105234624-A-C. GRCh37 (hg19) VCF-style: chr4-106155781-A-C.
Other names: c.682A>C, p.Lys228Gln (NM_017628.4); short protein forms K228Q.
Identifiers: ClinVar variation 3967646 (VCV003967646.1).
Genomic context (GRCh38, chr4:105,234,624, plus strand): 5'-CCTAATGGTGCTACAGTTTCTGCCTCTTCCGTGGAACACACACATGGTGAACTCCTGGAA[A>C]AAACACTGTCTCAATATTATCCAGATTGTGTTTCCATTGCGGTGCAGAAAACCACATCTC-3'
Protein context (NP_001120680.1, residues 218-238): VEHTHGELLE[Lys228Gln]TLSQYYPDCV